The following is an entry in ClinVar:

NM_003482.4(KMT2D):c.12364G>A (p.Gly4122Arg)

Gene: KMT2D (lysine methyltransferase 2D; minus strand). Cytogenetic location: 12q13.12.
Variant type: single nucleotide variant.
Coding change: c.12364G>A on transcript NM_003482.4 (MANE Select); coding-DNA position 12364, G replaced by A.
Protein change: p.Gly4122Arg; replaces glycine 4122 with arginine.
Molecular consequence: missense variant.
Genome position (GRCh38, 1-based): chr12:49,032,341, C>T on the plus strand (G>A on the coding strand, the complement: KMT2D is on the minus strand). VCF-style: chr12-49032341-C-T. GRCh37 (hg19) VCF-style: chr12-49426124-C-T.
Other names: short protein forms G4122R.
Identifiers: ClinVar variation 1307463 (VCV001307463.5), dbSNP rs1326879451, ClinGen allele CA384711938.

ClinVar aggregate classification (germline): Conflicting classifications of pathogenicity. Review status: criteria provided, conflicting classifications (1 of 4 stars). 2 submissions from 2 submitters: Uncertain significance (1); Likely benign (1). Last evaluated 2026-03-20.

Conditions:
KMT2D-related disorder. Also called: KMT2D-Related Disorders.

Allele frequency attached by ClinVar (database versions not stated): TOPMed below 0.00001; gnomAD 0.00001.
gnomAD v4.1: 2 of 1,613,590 alleles (0.00012%); highest among the groups gnomAD compares: Admixed American, 0.0017%; no homozygotes.

Submissions (2):

PreventionGenetics, part of Exact Sciences
Classification: Likely benign for KMT2D-related condition. Last evaluated: 2026-03-20. Review status: criteria provided, single submitter. Criteria: ACMG Guidelines, 2015. Collection method: clinical testing. Allele origin: germline.
Comment: This variant is classified as likely benign based on ACMG/AMP sequence variant interpretation guidelines (Richards et al. 2015 PMID: 25741868, with internal and published modifications).

GeneDx
Classification: Uncertain significance. Last evaluated: 2020-10-05. Review status: criteria provided, single submitter. Criteria: GeneDx Variant Classification Process June 2021. Collection method: clinical testing. Allele origin: germline. Affected: yes.
Comment: Not observed in large population cohorts (Lek et al., 2016); In silico analysis supports that this missense variant does not alter protein structure/function; Has not been previously published as pathogenic or benign to our knowledge